The following is an entry in ClinVar:

NM_018975.4(TERF2IP):c.701C>T (p.Pro234Leu)

Gene: TERF2IP (TERF2 interacting protein; plus strand). Cytogenetic location: 16q23.1.
Variant type: single nucleotide variant.
Coding change: c.701C>T on transcript NM_018975.4 (MANE Select); coding-DNA position 701, C replaced by T.
Protein change: p.Pro234Leu; replaces proline 234 with leucine.
Molecular consequence: missense variant. On other transcripts: non-coding transcript variant (1).
Genome position (GRCh38, 1-based): chr16:75,654,303, C>T. VCF-style: chr16-75654303-C-T. GRCh37 (hg19) VCF-style: chr16-75688201-C-T.
Other names: short protein forms P234L.
Identifiers: ClinVar variation 1756714 (VCV001756714.2), dbSNP rs2507086301, ClinGen allele CA396818994.

ClinVar aggregate classification (germline): Uncertain significance (1 of 4 stars; one submission).

Submission:

Ambry Genetics
Classification: Uncertain significance. Last evaluated: 2022-01-05. Review status: criteria provided, single submitter. Criteria: Ambry Variant Classification Scheme 2023. Collection method: clinical testing. Allele origin: germline.
Comment: The p.P234L variant (also known as c.701C>T), located in coding exon 2 of the TERF2IP gene, results from a C to T substitution at nucleotide position 701. The proline at codon 234 is replaced by leucine, an amino acid with similar properties. This amino acid position is conserved. In addition, this alteration is predicted to be tolerated by in silico analysis. Since supporting evidence is limited at this time, the clinical significance of this alteration remains unclear.